The following is an entry in ClinVar:

ClinVar aggregate classification (germline): Uncertain significance (1 of 4 stars; one submission).

Allele frequency attached by ClinVar (database versions not stated): gnomAD 0.00001; ExAC 0.00004; TOPMed 0.00002.
gnomAD v4.1: 7 of 1,555,068 alleles (0.00045%); highest among the groups gnomAD compares: Middle Eastern, 0.017%; no homozygotes.

Submission:

Labcorp Genetics (formerly Invitae), Labcorp
Classification: Uncertain significance. Last evaluated: 2021-12-15. Review status: criteria provided, single submitter. Criteria: Invitae Variant Classification Sherloc (09022015). Collection method: clinical testing. Allele origin: germline.
Comment: This variant has not been reported in the literature in individuals affected with MPDZ-related conditions. In summary, the available evidence is currently insufficient to determine the role of this variant in disease. Therefore, it has been classified as a Variant of Uncertain Significance. Variants that disrupt the consensus splice site are a relatively common cause of aberrant splicing (PMID: 17576681, 9536098). Algorithms developed to predict the effect of sequence changes on RNA splicing suggest that this variant may disrupt the consensus splice site. Algorithms developed to predict the effect of missense changes on protein structure and function are either unavailable or do not agree on the potential impact of this missense change (SIFT: "Deleterious"; PolyPhen-2: "Benign"; Align-GVGD: "Class C65"). The frequency data for this variant in the population databases is considered unreliable, as metrics indicate poor data quality at this position in the gnomAD database. This sequence change replaces lysine, which is basic and polar, with asparagine, which is neutral and polar, at codon 1544 of the MPDZ protein (p.Lys1544Asn). This variant also falls at the last nucleotide of exon 34, which is part of the consensus splice site for this exon.

Literature cited by the submitters: PubMed 17576681; PubMed 9536098.

NM_001378778.1(MPDZ):c.4632G>T (p.Lys1544Asn)

Gene: MPDZ (multiple PDZ domain crumbs cell polarity complex component; minus strand). Cytogenetic location: 9p23.
Variant type: single nucleotide variant.
Coding change: c.4632G>T on transcript NM_001378778.1 (MANE Select); coding-DNA position 4632, G replaced by T.
Protein change: p.Lys1544Asn; replaces lysine 1544 with asparagine.
Molecular consequence: missense variant.
Genome position (GRCh38, 1-based): chr9:13,126,516, C>A on the plus strand (G>T on the coding strand, the complement: MPDZ is on the minus strand). VCF-style: chr9-13126516-C-A. GRCh37 (hg19) VCF-style: chr9-13126515-C-A.
Other names: c.4533G>T, p.Lys1511Asn (NM_001261406.2, NM_001261407.2, NM_001375416.1 and 3 more transcripts); c.4632G>T, p.Lys1544Asn (NM_001330637.2, NM_003829.5); c.4731G>T, p.Lys1577Asn (NM_001375413.1); c.4422G>T, p.Lys1474Asn (NM_001375420.1, NM_001375421.1, NM_001375422.1 and 4 more transcripts); c.4224G>T, p.Lys1408Asn (NM_001375427.1); short protein forms K1511N, K1544N, K1408N, K1474N, K1577N.
Identifiers: ClinVar variation 1486671 (VCV001486671.4), dbSNP rs767801668, ClinGen allele CA4986629.